The following is an entry in ClinVar:

ClinVar aggregate classification (germline): Uncertain significance (1 of 4 stars; one submission).

Conditions:
Acute febrile neutrophilic dermatosis (AFND). Also called: Sweet Syndrome; Gomm Button disease. Identifiers: Orphanet 3243, MedGen C0085077, MONDO:0011959, OMIM 608068.

Allele frequency attached by ClinVar (database versions not stated): gnomAD exomes below 0.00001; TOPMed below 0.00001.
gnomAD v4.1: 6 of 1,614,208 alleles (0.00037%); highest among the groups gnomAD compares: South Asian, 0.0066%; no homozygotes.

Submission:

Neuberg Centre For Genomic Medicine, NCGM
Classification: Uncertain significance for Acute febrile neutrophilic dermatosis. Review status: criteria provided, single submitter. Criteria: ACMG Guidelines, 2015. Collection method: clinical testing. Allele origin: germline. Inheritance: Autosomal dominant inheritance. Affected: yes.
Comment: The missense variant c.14C>Gp.Pro5Arg in MEFV gene has not been reported previously as a pathogenic variant nor as a benign variant, to our knowledge. The variant is novel not in any individuals in gnomAD Exomes and 1000 Genomes. The amino acid Proline at position 5 is changed to a Arginine changing protein sequence and it might alter its composition and physico-chemical properties. For these reasons, this variant has been classified as Uncertain Significance.

NM_000243.3(MEFV):c.14C>G (p.Pro5Arg)

Gene: MEFV (MEFV innate immunity regulator, pyrin; minus strand). Cytogenetic location: 16p13.3.
Variant type: single nucleotide variant.
Coding change: c.14C>G on transcript NM_000243.3 (MANE Select); coding-DNA position 14, C replaced by G.
Protein change: p.Pro5Arg; replaces proline 5 with arginine.
Molecular consequence: missense variant.
Genome position (GRCh38, 1-based): chr16:3,256,574, G>C on the plus strand (C>G on the coding strand, the complement: MEFV is on the minus strand). VCF-style: chr16-3256574-G-C. GRCh37 (hg19) VCF-style: chr16-3306574-G-C.
Other names: c.14C>G, p.Pro5Arg (NM_001198536.2); short protein forms P5R.
Identifiers: ClinVar variation 3234866 (VCV003234866.1), dbSNP rs775861390, ClinGen allele CA7860554.
Genomic context (GRCh38, chr16:3,256,574, plus strand): 5'-TTGAACTTCTCGAAGTCATAGGGCACCAGCTCCTCCAGGGTGGACAGCAGATGGTCACTA[G>C]GGGTCTTAGCCATGGTGCTGAGCAGGAGAGGCTCGAGCCAGCTGTCTGGCTTCTGGTAGG-3'
Protein context (NP_000234.1, residues 1-15): MAKT[Pro5Arg]SDHLLSTLEE